The following is an entry in ClinVar:

NM_002529.4(NTRK1):c.288-5C>T

Gene: NTRK1 (neurotrophic receptor tyrosine kinase 1; plus strand). Cytogenetic location: 1q23.1.
Variant type: single nucleotide variant.
Coding change: c.288-5C>T on transcript NM_002529.4 (MANE Select); 5 bases into the intron before coding-DNA position 288, C replaced by T.
Molecular consequence: intron variant.
Genome position (GRCh38, 1-based): chr1:156,864,723, C>T. VCF-style: chr1-156864723-C-T. GRCh37 (hg19) VCF-style: chr1-156834515-C-T.
Other names: c.198-5C>T (NM_001007792.1); c.288-5C>T (NM_001012331.2, NM_002529.3).
Identifiers: ClinVar variation 876595 (VCV000876595.17), dbSNP rs200860423, ClinGen allele CA1168901.

ClinVar aggregate classification (germline): Conflicting classifications of pathogenicity. Review status: criteria provided, conflicting classifications (1 of 4 stars). 5 submissions from 5 submitters: Uncertain significance (2); Likely benign (2). 1 of the submissions does not count toward it. Last evaluated 2026-09-01.

Conditions:
Inborn genetic diseases. Identifiers: MedGen C0950123, MeSH D030342.
Hereditary insensitivity to pain with anhidrosis (CIPA). Also called: hereditary sensory and autonomic neuropathy type 4; INSENSITIVITY TO PAIN, CONGENITAL, WITH ANHIDROSIS; HSAN Type IV; NTRK1 Congenital Insensitivity to Pain with Anhidrosis; FAMILIAL DYSAUTONOMIA, TYPE II; NEUROPATHY, CONGENITAL SENSORY, WITH ANHIDROSIS. Identifiers: Orphanet 642, MedGen C0020074, MONDO:0009746, OMIM 256800.
NTRK1-related disorder. Also called: NTRK1-related condition.

Allele frequency attached by ClinVar (database versions not stated): gnomAD 0.00004; gnomAD exomes 0.00004 and 0.00013; ExAC 0.00005; TOPMed 0.00005; ESP Exome Variant Server 0.00008.
gnomAD v4.1: 187 of 1,613,854 alleles (0.012%); highest among the groups gnomAD compares: Non-Finnish European, 0.015%; no homozygotes.

Submissions (5):

PreventionGenetics, part of Exact Sciences
Classification: Likely benign for NTRK1-related condition. Last evaluated: 2026-09-01. Review status: criteria provided, single submitter. Criteria: ACMG Guidelines, 2015. Collection method: clinical testing. Allele origin: germline.
Comment: This variant is classified as likely benign based on ACMG/AMP sequence variant interpretation guidelines (Richards et al. 2015 PMID: 25741868, with internal and published modifications).

Labcorp Genetics (formerly Invitae), Labcorp
Classification: Likely benign for Hereditary insensitivity to pain with anhidrosis. Last evaluated: 2025-09-22. Review status: criteria provided, single submitter. Criteria: Invitae Variant Classification Sherloc (09022015). Collection method: clinical testing. Allele origin: germline.

Ambry Genetics
Classification: Uncertain significance for Inborn genetic diseases. Last evaluated: 2021-10-27. Review status: criteria provided, single submitter. Criteria: Ambry Variant Classification Scheme 2023. Collection method: clinical testing. Allele origin: germline.
Comment: The c.288-5C>T intronic alteration consists of a C to T substitution 5 nucleotides before exon 3 of the NTRK1 gene. Based on insufficient or conflicting evidence, the clinical significance of this alteration remains unclear.

Illumina Laboratory Services, Illumina
Classification: Uncertain significance for Hereditary insensitivity to pain with anhidrosis. Last evaluated: 2018-01-12. Review status: criteria provided, single submitter. Criteria: ICSL Variant Classification Criteria 13 December 2019. Collection method: clinical testing. Allele origin: germline.

Natera, Inc.
Classification: Uncertain significance for Hereditary insensitivity to pain with anhidrosis. Last evaluated: 2020-04-17. Review status: no assertion criteria provided. Collection method: clinical testing. Allele origin: germline. Not counted in ClinVar's aggregate classification.